The following is an entry in ClinVar:

ClinVar aggregate classification (germline): Likely benign (0 of 4 stars; one submission).

Conditions:
POLR3B-related disorder. Also called: POLR3B-related condition; POLR3B-related disorders. Identifiers: MedGen CN378588, MONDO:0700277.

Submissions (2):

PreventionGenetics, part of Exact Sciences
Classification: Likely benign for POLR3B-related condition. Last evaluated: 2020-01-14. Review status: no assertion criteria provided. Collection method: clinical testing. Allele origin: germline.
Comment: This variant is classified as likely benign based on ACMG/AMP sequence variant interpretation guidelines (Richards et al. 2015 PMID: 25741868, with internal and published modifications).

Dr. Peter K. Rogan Lab, Western University
No classification provided (evidence only). Condition: Uterine corpus endometrial carcinoma. Review status: no classification provided. Collection method: in vitro. Allele origin: not applicable. Functional consequence: retained intron. Not counted in ClinVar's aggregate classification.

NM_018082.6(POLR3B):c.1102-5_1102-3del

Gene: POLR3B (RNA polymerase III subunit B; plus strand). Cytogenetic location: 12q23.3.
Variant type: Deletion.
Coding change: c.1102-5_1102-3del on transcript NM_018082.6 (MANE Select); 5 bases into the intron before coding-DNA position 1102 through 3 bases into the intron before coding-DNA position 1102, 3 bases deleted (TTT; older notation c.1102-5_1102-3delTTT).
Molecular consequence: intron variant.
Genome position (GRCh38, 1-based): chr12:106,427,192-106,427,194, TTT deleted; deleting any 3 consecutive bases within chr12:106,427,180-106,427,194 gives the same sequence; the c. name uses the placement nearest the transcript's 3' end. VCF-style (leftmost placement, unchanged base first): chr12-106427179-CTTT-C. GRCh37 (hg19) VCF-style: chr12-106820957-CTTT-C.
Other names: NC_000012.11:g.106820970_106820972del; c.928-5_928-3del (NM_001160708.2).
Identifiers: ClinVar variation 3050877 (VCV003050877.3), dbSNP rs202125845, ClinGen allele CA6761871.